The following is an entry in ClinVar:

ClinVar aggregate classification (germline): Uncertain significance (1 of 4 stars; one submission).

gnomAD v4.1: 37 of 1,614,016 alleles (0.0023%); highest among the groups gnomAD compares: Non-Finnish European, 0.0029%; no homozygotes.

Submission:

Labcorp Genetics (formerly Invitae), Labcorp
Classification: Uncertain significance. Last evaluated: 2023-12-11. Review status: criteria provided, single submitter. Criteria: Invitae Variant Classification Sherloc (09022015). Collection method: clinical testing. Allele origin: germline.
Comment: This sequence change replaces arginine, which is basic and polar, with tryptophan, which is neutral and slightly polar, at codon 991 of the MYO3A protein (p.Arg991Trp). This variant is not present in population databases (gnomAD no frequency). This variant has not been reported in the literature in individuals affected with MYO3A-related conditions. Advanced modeling of protein sequence and biophysical properties (such as structural, functional, and spatial information, amino acid conservation, physicochemical variation, residue mobility, and thermodynamic stability) performed at Invitae indicates that this missense variant is expected to disrupt MYO3A protein function with a positive predictive value of 80%. In summary, the available evidence is currently insufficient to determine the role of this variant in disease. Therefore, it has been classified as a Variant of Uncertain Significance.

NM_017433.5(MYO3A):c.2971C>T (p.Arg991Trp)

Gene: MYO3A (myosin IIIA; plus strand). Cytogenetic location: 10p12.1.
Variant type: single nucleotide variant.
Coding change: c.2971C>T on transcript NM_017433.5 (MANE Select); coding-DNA position 2971, C replaced by T.
Protein change: p.Arg991Trp; replaces arginine 991 with tryptophan.
Molecular consequence: missense variant.
Genome position (GRCh38, 1-based): chr10:26,157,487, C>T. VCF-style: chr10-26157487-C-T. GRCh37 (hg19) VCF-style: chr10-26446416-C-T.
Other names: short protein forms R991W.
Identifiers: ClinVar variation 2898460 (VCV002898460.3), dbSNP rs1841210801, ClinGen allele CA376336483.
Genomic context (GRCh38, chr10:26,157,487, plus strand): 5'-CAGCTTCGGTACACAGGAATTCTGGAAACAGCAAGAATTCGAAGACTAGGATTCTCCCAT[C>T]GGATACTTTTTGCTAACTTTATAAAGCGGTATGTGGATTTCTTTTTCAGTTTCTATTGTG-3'
Protein context (NP_059129.3, residues 981-1001): ARIRRLGFSH[Arg991Trp]ILFANFIKRY